The following is an entry in ClinVar:

NM_020975.6(RET):c.3214G>C (p.Glu1072Gln)

Gene: RET (ret proto-oncogene; plus strand). Cytogenetic location: 10q11.21.
Variant type: single nucleotide variant.
Coding change: c.3214G>C on transcript NM_020975.6 (MANE Select); coding-DNA position 3214, G replaced by C.
Protein change: p.Glu1072Gln; replaces glutamic acid 1072 with glutamine.
Molecular consequence: missense variant. On other transcripts: 3 prime UTR variant (18), intron variant (3).
Genome position (GRCh38, 1-based): chr10:43,128,138, G>C. VCF-style: chr10-43128138-G-C. GRCh37 (hg19) VCF-style: chr10-43623586-G-C.
Other names: c.3214G>C, p.Glu1072Gln (NM_000323.2, NM_001406743.1); c.*1384G>C (NM_001355216.2, NM_001406764.1, NM_001406765.1 and 15 more transcripts); c.3154G>C, p.Glu1052Gln (NM_001406759.1, NM_001406760.1); c.3085G>C, p.Glu1029Gln (NM_001406761.1, NM_001406762.1); c.3079G>C, p.Glu1027Gln (NM_001406763.1); c.2926G>C, p.Glu976Gln (NM_001406766.1, NM_001406767.1); c.2818G>C, p.Glu940Gln (NM_001406769.1); c.2776G>C, p.Glu926Gln (NM_001406771.1); and 10 more; short protein forms E589Q, E677Q, E730Q, E1052Q, E569Q, E926Q, E940Q, E1029Q.
Identifiers: ClinVar variation 2781405 (VCV002781405.4), dbSNP rs1339225160, ClinGen allele CA376558868.
Genomic context (GRCh38, chr10:43,128,138, plus strand): 5'-CAGTGCAGAACAAATGATCTGTTTTCATTTTTAGGCATGTCAGACCCGAACTGGCCTGGA[G>C]AGAGTCCTGTACCACTCACGAGAGCTGATGGCACTAACACTGGGTTTCCAAGATATCCAA-3'
Protein context (NP_066124.1, residues 1062-1082): YGMSDPNWPG[Glu1072Gln]SPVPLTRADG

ClinVar aggregate classification (germline): Uncertain significance. Review status: criteria provided, multiple submitters, no conflicts (2 of 4 stars). 2 submissions from 2 submitters: Uncertain significance (2). Last evaluated 2024-08-05.

Conditions:
Hereditary cancer-predisposing syndrome. Also called: Neoplastic Syndromes, Hereditary; Tumor predisposition; Hereditary Cancer Syndrome; Hereditary neoplastic syndrome. Identifiers: Orphanet 140162, MedGen C0027672, MeSH D009386, MONDO:0015356.
Multiple endocrine neoplasia, type 2 (MEN2). Identifiers: Orphanet 653, MedGen C4048306, MONDO:0019003. Disease mechanism: gain of function.

Allele frequency attached by ClinVar (database versions not stated): gnomAD exomes below 0.00001.
gnomAD v4.1: 2 of 1,614,174 alleles (0.00012%); highest among the groups gnomAD compares: Admixed American, 0.0033%; no homozygotes.

Submissions (2):

Labcorp Genetics (formerly Invitae), Labcorp
Classification: Uncertain significance for Multiple endocrine neoplasia, type 2. Last evaluated: 2024-08-05. Review status: criteria provided, single submitter. Criteria: Invitae Variant Classification Sherloc (09022015). Collection method: clinical testing. Allele origin: germline.
Comment: This sequence change replaces glutamic acid, which is acidic and polar, with glutamine, which is neutral and polar, at codon 1072 of the RET protein (p.Glu1072Gln). This variant is present in population databases (no rsID available, gnomAD 0.006%). This variant has not been reported in the literature in individuals affected with RET-related conditions. An algorithm developed to predict the effect of missense changes on protein structure and function (PolyPhen-2) suggests that this variant is likely to be disruptive. In summary, the available evidence is currently insufficient to determine the role of this variant in disease. Therefore, it has been classified as a Variant of Uncertain Significance.

Ambry Genetics
Classification: Uncertain significance for Hereditary cancer-predisposing syndrome. Last evaluated: 2024-03-19. Review status: criteria provided, single submitter. Criteria: Ambry Variant Classification Scheme 2023. Collection method: clinical testing. Allele origin: germline.
Comment: The p.E1072Q variant (also known as c.3214G>C), located in coding exon 20 of the RET gene, results from a G to C substitution at nucleotide position 3214. The glutamic acid at codon 1072 is replaced by glutamine, an amino acid with highly similar properties. This amino acid position is conserved. In addition, this alteration is predicted to be tolerated by in silico analysis. Based on the available evidence, the clinical significance of this alteration remains unclear.